The following is an entry in ClinVar:

ClinVar aggregate classification (germline): Uncertain significance (1 of 4 stars; one submission).

Submission:

Labcorp Genetics (formerly Invitae), Labcorp
Classification: Uncertain significance. Last evaluated: 2026-01-02. Review status: criteria provided, single submitter. Criteria: Invitae Variant Classification Sherloc (09022015). Collection method: clinical testing. Allele origin: germline.
Comment: This sequence change replaces cysteine, which is neutral and slightly polar, with tyrosine, which is neutral and polar, at codon 382 of the PRDM13 protein (p.Cys382Tyr). This variant is not present in population databases (gnomAD no frequency). This variant has not been reported in the literature in individuals affected with PRDM13-related conditions. An algorithm developed to predict the effect of missense changes on protein structure and function (PolyPhen-2) suggests that this variant is likely to be disruptive. In summary, the available evidence is currently insufficient to determine the role of this variant in disease. Therefore, it has been classified as a Variant of Uncertain Significance.

NM_021620.4(PRDM13):c.1145G>A (p.Cys382Tyr)

Genes: PRDM13 (PR/SET domain 13; plus strand), LOC129996881 (ATAC-STARR-seq lymphoblastoid silent region 17422; plus strand). Cytogenetic location: 6q16.2.
Variant type: single nucleotide variant.
Coding change: c.1145G>A on transcript NM_021620.4 (MANE Select); coding-DNA position 1145, G replaced by A.
Protein change: p.Cys382Tyr; replaces cysteine 382 with tyrosine.
Molecular consequence: missense variant.
Genome position (GRCh38, 1-based): chr6:99,613,780, G>A. VCF-style: chr6-99613780-G-A. GRCh37 (hg19) VCF-style: chr6-100061656-G-A.
Other names: short protein forms C382Y.
Identifiers: ClinVar variation 4734478 (VCV004734478.1).